The following is an entry in ClinVar:

NM_001242809.2(ANKRD6):c.1648G>A (p.Ala550Thr)

Gene: ANKRD6 (ankyrin repeat domain 6; plus strand). Cytogenetic location: 6q15.
Variant type: single nucleotide variant.
Coding change: c.1648G>A on transcript NM_001242809.2 (MANE Select); coding-DNA position 1648, G replaced by A.
Protein change: p.Ala550Thr; replaces alanine 550 with threonine.
Molecular consequence: missense variant.
Genome position (GRCh38, 1-based): chr6:89,630,468, G>A. VCF-style: chr6-89630468-G-A. GRCh37 (hg19) VCF-style: chr6-90340187-G-A.
Other names: c.1648G>A, p.Ala550Thr (NM_001242811.1); c.1543G>A, p.Ala515Thr (NM_001242813.1); c.1456G>A, p.Ala486Thr (NM_001242814.1); c.1633G>A, p.Ala545Thr (NM_014942.4); short protein forms A486T, A515T, A545T, A550T.
Identifiers: ClinVar variation 3058841 (VCV003058841.2), dbSNP rs9362667, ClinGen allele CA3921619.

ClinVar aggregate classification (germline): Benign (0 of 4 stars; one submission).

Conditions:
ANKRD6-related disorder. Also called: ANKRD6-related condition.

Allele frequency attached by ClinVar (database versions not stated): ESP Exome Variant Server 0.00049; TOPMed 0.00484; 1000 Genomes Project 30x 0.01718; 1000 Genomes Project 0.01937.
gnomAD v4.1: 7,550 of 1,613,662 alleles (0.47%); highest among the groups gnomAD compares: East Asian, 9.7%; 245 homozygotes.

Submission:

PreventionGenetics, part of Exact Sciences
Classification: Benign for ANKRD6-related condition. Last evaluated: 2019-02-26. Review status: no assertion criteria provided. Collection method: clinical testing. Allele origin: germline.
Comment: This variant is classified as benign based on ACMG/AMP sequence variant interpretation guidelines (Richards et al. 2015 PMID: 25741868, with internal and published modifications).